The following is an entry in ClinVar:

NM_000719.7(CACNA1C):c.699del (p.Lys234fs)

Gene: CACNA1C (calcium voltage-gated channel subunit alpha1 C; plus strand). Cytogenetic location: 12p13.33.
Variant type: Deletion.
Coding change: c.699del on transcript NM_000719.7 (MANE Select); coding-DNA position 699, one base deleted (G; older notation c.699delG).
Protein change: p.Lys234fs; shifts the reading frame from lysine 234.
Molecular consequence: frameshift variant.
Genome position (GRCh38, 1-based): chr12:2,457,648, G deleted. VCF-style (leftmost placement, unchanged base first): chr12-2457647-TG-T. GRCh37 (hg19) VCF-style: chr12-2566813-TG-T.
Other names: c.699del, p.Lys234fs (NM_001129827.2, NM_001129829.2, NM_001129830.3 and 19 more transcripts); short protein forms K234fs.
Identifiers: ClinVar variation 961253 (VCV000961253.8), dbSNP rs2099444197, ClinGen allele CA1139662464.
Genomic context (GRCh38, chr12:2,457,647, plus strand): 5'-AACAAGCAACCAAAGCAGATGGGGCAAACGCTCTCGGAGGGAAAGGGGCCGGATTTGATG[TG>T]AAGGCGCTGAGGGCCTTCCGCGTGCTGCGCCCCCTGCGGCTGGTGTCCGGAGTCCCAAGT-3'

ClinVar aggregate classification (germline): Uncertain significance (1 of 4 stars; one submission).

Conditions:
Long QT syndrome (LQTS). Identifiers: MedGen C0023976, MeSH D008133, MONDO:0002442. Disease mechanism: loss of function. Inheritance: Various modes of inheritance.

Submission:

Labcorp Genetics (formerly Invitae), Labcorp
Classification: Uncertain significance for Long QT syndrome. Last evaluated: 2019-09-02. Review status: criteria provided, single submitter. Criteria: Invitae Variant Classification Sherloc (09022015). Collection method: clinical testing. Allele origin: germline.
Comment: In summary, the available evidence is currently insufficient to determine the role of this variant in disease. Therefore, it has been classified as a Variant of Uncertain Significance. This variant is not present in population databases (ExAC no frequency). This variant has not been reported in the literature in individuals with CACNA1C-related conditions. The current clinical and genetic evidence is not sufficient to establish whether loss-of-function variants in CACNA1C cause disease. This sequence change creates a premature translational stop signal (p.Lys234Argfs*3) in the CACNA1C gene. It is expected to result in an absent or disrupted protein product.